The following is an entry in ClinVar:

ClinVar aggregate classification (germline): Uncertain significance (1 of 4 stars; one submission).

Submission:

CeGaT Center for Human Genetics Tuebingen
Classification: Uncertain significance. Last evaluated: 2024-04-01. Review status: criteria provided, single submitter. Criteria: CeGaT Center For Human Genetics Tuebingen Variant Classification Criteria Version 2. Collection method: clinical testing. Allele origin: germline. Affected: yes. Observed: 1 variant allele.
Comment: MAX: PM2, PP3

NM_002382.5(MAX):c.172-6198C>G

Gene: MAX (MYC associated transcriptional regulator X; minus strand). Cytogenetic location: 14q23.3.
Variant type: single nucleotide variant.
Coding change: c.172-6198C>G on transcript NM_002382.5 (MANE Select); 6198 bases into the intron before coding-DNA position 172, C replaced by G.
Molecular consequence: intron variant. On other transcripts: missense variant (3), 3 prime UTR variant (1), non-coding transcript variant (4).
Genome position (GRCh38, 1-based): chr14:65,084,234, G>C on the plus strand (C>G on the coding strand, the complement: MAX is on the minus strand). VCF-style: chr14-65084234-G-C. GRCh37 (hg19) VCF-style: chr14-65550952-G-C.
Other names: c.210C>G, p.Cys70Trp (NM_001271068.2, NM_001407113.1); c.*11C>G (NM_001407114.1); c.237C>G, p.Cys79Trp (NM_145114.3); c.144+9474C>G (NM_001271069.2); c.171+9474C>G (NM_197957.4); c.-196-6198C>G (NM_001407112.1, NM_001407111.1); c.-103-6198C>G (NM_001407106.1, NM_001407107.1, NM_001320415.2 and 1 more transcripts); c.145-6198C>G (NM_001407095.1, NM_001407110.1, NM_001407102.1 and 6 more transcripts); and 2 more; short protein forms C70W, C79W.
Identifiers: ClinVar variation 3234668 (VCV003234668.20), dbSNP rs2139799163, ClinGen allele CA390036668.